The following is an entry in ClinVar:

NM_002878.4(RAD51D):c.263+1485G>T

Genes: RAD51D (RAD51 paralog D; minus strand), RAD51L3-RFFL (RAD51L3-RFFL readthrough; minus strand). Cytogenetic location: 17q12.
Variant type: single nucleotide variant.
Coding change: c.263+1485G>T on transcript NM_002878.4 (MANE Select); 1485 bases into the intron after coding-DNA position 263, G replaced by T.
Molecular consequence: intron variant. On other transcripts: missense variant (1).
Genome position (GRCh38, 1-based): chr17:35,117,016, C>A on the plus strand (G>T on the coding strand, the complement: RAD51D is on the minus strand). VCF-style: chr17-35117016-C-A. GRCh37 (hg19) VCF-style: chr17-33444035-C-A.
Other names: c.166G>T, p.Gly56Trp (NM_001142571.2); c.144+2095G>T (NM_133629.3); short protein forms G56W.
Identifiers: ClinVar variation 5027818 (VCV005027818.1).
Genomic context (GRCh38, chr17:35,117,016, plus strand): 5'-TGACCCCACTCCACGATCTCCCTGCGGGGACCTGAGGCAGCTGCAGTCCTCCCAGGTTCC[C>A]ACTTGAGTGCGCCCTCCATGTCTGTTGGATTTATAAACTCCCTAAGCCCAAGGCCAATCG-3'

ClinVar aggregate classification (germline): Uncertain significance (1 of 4 stars; one submission).

Conditions:
Hereditary cancer-predisposing syndrome. Also called: Neoplastic Syndromes, Hereditary; Tumor predisposition; Hereditary neoplastic syndrome; Hereditary Cancer Syndrome. Identifiers: Orphanet 140162, MedGen C0027672, MeSH D009386, MONDO:0015356.

Submission:

Ambry Genetics
Classification: Uncertain significance for Hereditary cancer-predisposing syndrome. Last evaluated: 2026-07-02. Review status: criteria provided, single submitter. Criteria: Ambry Variant Classification Scheme 2023. Collection method: clinical testing. Allele origin: germline.
Comment: The p.G56W variant (also known as c.166G>T), located in coding exon 3 of the RAD51D gene, results from a G to T substitution at nucleotide position 166. The glycine at codon 56 is replaced by tryptophan, an amino acid with highly dissimilar properties. This amino acid position is conserved. In addition, this alteration is predicted to be tolerated by in silico analysis. Based on the available evidence, the clinical significance of this variant remains unclear.